The following is an entry in ClinVar:

NM_182914.3(SYNE2):c.2026A>G (p.Lys676Glu)

Gene: SYNE2 (spectrin repeat containing nuclear envelope protein 2; plus strand). Cytogenetic location: 14q23.2.
Variant type: single nucleotide variant.
Coding change: c.2026A>G on transcript NM_182914.3 (MANE Select); coding-DNA position 2026, A replaced by G.
Protein change: p.Lys676Glu; replaces lysine 676 with glutamic acid.
Molecular consequence: missense variant.
Genome position (GRCh38, 1-based): chr14:63,983,761, A>G. VCF-style: chr14-63983761-A-G. GRCh37 (hg19) VCF-style: chr14-64450479-A-G.
Other names: c.2026A>G, p.Lys676Glu (NM_015180.6); short protein forms K676E.
Identifiers: ClinVar variation 130491 (VCV000130491.23), dbSNP rs78191145, ClinGen allele CA155567.

ClinVar aggregate classification (germline): Benign. Review status: criteria provided, multiple submitters, no conflicts (2 of 4 stars). 6 submissions from 6 submitters: Benign (4). 2 of the submissions do not count toward it. Last evaluated 2026-01-26.

Conditions:
SYNE2-related disorder. Also called: SYNE2-related condition.
Emery-Dreifuss muscular dystrophy 5, autosomal dominant (EDMD5). Also called: EMERY-DREIFUSS MUSCULAR DYSTROPHY 5. Identifiers: Orphanet 261, MedGen C2751805, MONDO:0013072, OMIM 612999.

Allele frequency attached by ClinVar (database versions not stated): gnomAD exomes 0.00058 and 0.00146; ExAC 0.00191; gnomAD 0.00562 and 0.00610; 1000 Genomes Project 0.00619; TOPMed 0.00653; 1000 Genomes Project 30x 0.00656; ESP Exome Variant Server 0.00726.
gnomAD v4.1: 1,730 of 1,613,084 alleles (0.11%); highest among the groups gnomAD compares: African/African-American, 2.1%; 22 homozygotes.

Submissions (6):

Labcorp Genetics (formerly Invitae), Labcorp
Classification: Benign for Emery-Dreifuss muscular dystrophy 5, autosomal dominant. Last evaluated: 2026-01-26. Review status: criteria provided, single submitter. Criteria: Invitae Variant Classification Sherloc (09022015). Collection method: clinical testing. Allele origin: germline.

Athena Diagnostics
Classification: Benign. Last evaluated: 2023-10-16. Review status: criteria provided, single submitter. Criteria: Athena Diagnostics Criteria. Collection method: clinical testing. Allele origin: unknown.

Illumina Laboratory Services, Illumina
Classification: Benign for Emery-Dreifuss muscular dystrophy 5, autosomal dominant. Last evaluated: 2018-01-12. Review status: criteria provided, single submitter. Criteria: ICSL Variant Classification Criteria 13 December 2019. Collection method: clinical testing. Allele origin: germline.
Comment: This variant was observed in the ICSL laboratory as part of a predisposition screen in an ostensibly healthy population. It had not been previously curated by ICSL or reported in the Human Gene Mutation Database (HGMD: prior to June 1st, 2018), and was therefore a candidate for classification through an automated scoring system. Utilizing variant allele frequency, disease prevalence and penetrance estimates, and inheritance mode, an automated score was calculated to assess if this variant is too frequent to cause the disease. Based on the score and internal cut-off values, a variant classified as benign is not then subjected to further curation. The score for this variant resulted in a classification of benign for this disease.

Breakthrough Genomics
Classification: Benign. Review status: criteria provided, single submitter. Criteria: ACMG Guidelines, 2015. Collection method: not provided. Allele origin: germline. Inheritance: Autosomal dominant inheritance. Affected: yes.

PreventionGenetics, part of Exact Sciences
Classification: Benign for SYNE2-related condition. Last evaluated: 2019-05-02. Review status: no assertion criteria provided. Collection method: clinical testing. Allele origin: germline. Not counted in ClinVar's aggregate classification.
Comment: This variant is classified as benign based on ACMG/AMP sequence variant interpretation guidelines (Richards et al. 2015 PMID: 25741868, with internal and published modifications).

Genetic Services Laboratory, University of Chicago
Classification: Likely benign for AllHighlyPenetrant. Review status: no assertion criteria provided. Collection method: clinical testing. Allele origin: germline. Inheritance: Autosomal dominant inheritance. Not counted in ClinVar's aggregate classification.
Comment: Likely benign based on allele frequency in 1000 Genomes Project or ESP global frequency and its presence in a patient with a rare or unrelated disease phenotype. NOT Sanger confirmed.